The following is an entry in ClinVar:

NM_000051.4(ATM):c.6058G>T (p.Gly2020Cys)

Genes: ATM (ATM serine/threonine kinase; plus strand), C11orf65 (chromosome 11 open reading frame 65; minus strand). Cytogenetic location: 11q22.3.
Variant type: single nucleotide variant.
Coding change: c.6058G>T on transcript NM_000051.4 (MANE Select); coding-DNA position 6058, G replaced by T.
Protein change: p.Gly2020Cys; replaces glycine 2020 with cysteine.
Molecular consequence: missense variant. On other transcripts: intron variant (2).
Genome position (GRCh38, 1-based): chr11:108,315,874, G>T. VCF-style: chr11-108315874-G-T. GRCh37 (hg19) VCF-style: chr11-108186601-G-T.
Other names: c.6058G>T, p.Gly2020Cys (NM_001351834.2); c.641-6803C>A (NM_001330368.2); c.*39-6803C>A (NM_001351110.2); short protein forms G2020C.
Identifiers: ClinVar variation 3222160 (VCV003222160.1), dbSNP rs2084590997, ClinGen allele CA382550031.

ClinVar aggregate classification (germline): Uncertain significance (1 of 4 stars; one submission).

Conditions:
Hereditary cancer-predisposing syndrome. Also called: Tumor predisposition; Hereditary Cancer Syndrome; Hereditary neoplastic syndrome; Neoplastic Syndromes, Hereditary. Identifiers: Orphanet 140162, MedGen C0027672, MeSH D009386, MONDO:0015356.

Submission:

Ambry Genetics
Classification: Uncertain significance for Hereditary cancer-predisposing syndrome. Last evaluated: 2023-10-17. Review status: criteria provided, single submitter. Criteria: Ambry Variant Classification Scheme 2023. Collection method: clinical testing. Allele origin: germline.
Comment: The p.G2020C variant (also known as c.6058G>T), located in coding exon 40 of the ATM gene, results from a G to T substitution at nucleotide position 6058. The glycine at codon 2020 is replaced by cysteine, an amino acid with highly dissimilar properties. This amino acid position is highly conserved in available vertebrate species. In addition, the in silico prediction for this alteration is inconclusive. Since supporting evidence is limited at this time, the clinical significance of this alteration remains unclear.